The following is an entry in ClinVar:

NM_000208.4(INSR):c.1741C>T (p.Arg581Trp)

Gene: INSR (insulin receptor; minus strand). Cytogenetic location: 19p13.2.
Variant type: single nucleotide variant.
Coding change: c.1741C>T on transcript NM_000208.4 (MANE Select); coding-DNA position 1741, C replaced by T.
Protein change: p.Arg581Trp; replaces arginine 581 with tryptophan.
Molecular consequence: missense variant.
Genome position (GRCh38, 1-based): chr19:7,166,274, G>A on the plus strand (C>T on the coding strand, the complement: INSR is on the minus strand). VCF-style: chr19-7166274-G-A. GRCh37 (hg19) VCF-style: chr19-7166285-G-A.
Other names: c.1741C>T, p.Arg581Trp (NM_001079817.3); short protein forms R581W.
Identifiers: ClinVar variation 549553 (VCV000549553.2), dbSNP rs1555743340, ClinGen allele CA403666437.

ClinVar aggregate classification (germline): Uncertain significance (1 of 4 stars; one submission).

Conditions:
Monogenic diabetes. Identifiers: Orphanet 183625, MedGen C3888631, MONDO:0015967.

Allele frequency attached by ClinVar (database versions not stated): gnomAD exomes below 0.00001.
gnomAD v4.1: 2 of 1,614,144 alleles (0.00012%); highest among the groups gnomAD compares: Non-Finnish European, 0.00017%; no homozygotes.

Submission:

Personalized Diabetes Medicine Program, University of Maryland School of Medicine
Classification: Uncertain significance for Monogenic diabetes. Last evaluated: 2017-01-20. Review status: criteria provided, single submitter. Criteria: ACMG Guidelines, 2015. Collection method: research. Allele origin: unknown. Observed: 1 variant allele, 1 heterozygote. Study: Personalized Diabetes Medicine Program.
Comment: ACMG Criteria:PM2 (not in database), PP3 (3 predictors), BP4 (5 predictors)